The following is an entry in ClinVar:

ClinVar aggregate classification (germline): Uncertain significance (1 of 4 stars; one submission).

Submission:

Labcorp Genetics (formerly Invitae), Labcorp
Classification: Uncertain significance. Last evaluated: 2023-03-12. Review status: criteria provided, single submitter. Criteria: Invitae Variant Classification Sherloc (09022015). Collection method: clinical testing. Allele origin: germline.
Comment: In summary, the available evidence is currently insufficient to determine the role of this variant in disease. Therefore, it has been classified as a Variant of Uncertain Significance. This sequence change replaces glycine, which is neutral and non-polar, with alanine, which is neutral and non-polar, at codon 578 of the COL4A2 protein (p.Gly578Ala). This variant is not present in population databases (gnomAD no frequency). This variant has not been reported in the literature in individuals affected with COL4A2-related conditions. Advanced modeling of protein sequence and biophysical properties (such as structural, functional, and spatial information, amino acid conservation, physicochemical variation, residue mobility, and thermodynamic stability) has been performed at Invitae for this missense variant, however the output from this modeling did not meet the statistical confidence thresholds required to predict the impact of this variant on COL4A2 protein function.

NM_001846.4(COL4A2):c.1733G>C (p.Gly578Ala)

Genes: COL4A2 (collagen type IV alpha 2 chain; plus strand), COL4A2-AS2 (COL4A2 antisense RNA 2; minus strand). Cytogenetic location: 13q34.
Variant type: single nucleotide variant.
Coding change: c.1733G>C on transcript NM_001846.4 (MANE Select); coding-DNA position 1733, G replaced by C.
Protein change: p.Gly578Ala; replaces glycine 578 with alanine.
Molecular consequence: missense variant.
Genome position (GRCh38, 1-based): chr13:110,462,341, G>C. VCF-style: chr13-110462341-G-C. GRCh37 (hg19) VCF-style: chr13-111114688-G-C.
Other names: short protein forms G578A.
Identifiers: ClinVar variation 2802260 (VCV002802260.3), dbSNP rs2502120855, ClinGen allele CA388738901.